The following is an entry in ClinVar:

ClinVar aggregate classification (germline): Likely benign. Review status: criteria provided, single submitter (1 of 4 stars). 2 submissions from 2 submitters: Likely benign (1). 1 of the submissions does not count toward it. Last evaluated 2025-10-10.

Conditions:
Familial focal epilepsy with variable foci (FPEVF). Identifiers: Orphanet 98820, MedGen C1858477, MONDO:0020310.
DEPDC5-related disorder. Also called: DEPDC5-related condition; DEPDC5-related related disorder.

Allele frequency attached by ClinVar (database versions not stated): ExAC 0.00001; gnomAD exomes 0.00002 and 0.00003; gnomAD 0.00003; TOPMed 0.00004; ESP Exome Variant Server 0.00008.
gnomAD v4.1: 41 of 1,605,340 alleles (0.0026%); highest among the groups gnomAD compares: Non-Finnish European, 0.0033%; no homozygotes.

Submissions (2):

Labcorp Genetics (formerly Invitae), Labcorp
Classification: Likely benign for Familial focal epilepsy with variable foci. Last evaluated: 2025-10-10. Review status: criteria provided, single submitter. Criteria: Invitae Variant Classification Sherloc (09022015). Collection method: clinical testing. Allele origin: germline.

PreventionGenetics, part of Exact Sciences
Classification: Likely benign for DEPDC5-related condition. Last evaluated: 2022-09-15. Review status: no assertion criteria provided. Collection method: clinical testing. Allele origin: germline. Not counted in ClinVar's aggregate classification.
Comment: This variant is classified as likely benign based on ACMG/AMP sequence variant interpretation guidelines (Richards et al. 2015 PMID: 25741868, with internal and published modifications).

NM_001242896.3(DEPDC5):c.871+9T>C

Gene: DEPDC5 (DEP domain containing 5, GATOR1 subcomplex subunit; plus strand). Cytogenetic location: 22q12.2.
Variant type: single nucleotide variant.
Coding change: c.871+9T>C on transcript NM_001242896.3 (MANE Select); 9 bases into the intron after coding-DNA position 871, T replaced by C.
Molecular consequence: intron variant.
Genome position (GRCh38, 1-based): chr22:31,797,712, T>C. VCF-style: chr22-31797712-T-C. GRCh37 (hg19) VCF-style: chr22-32193698-T-C.
Other names: c.871+9T>C (NM_001364318.2, NM_001136029.4, NM_014662.6 and 7 more transcripts); c.787+9T>C (NM_001369902.1, NM_001369901.1).
Identifiers: ClinVar variation 534812 (VCV000534812.13), dbSNP rs373471598, ClinGen allele CA10196132.